The following is an entry in ClinVar:

ClinVar aggregate classification (germline): Uncertain significance (1 of 4 stars; one submission).

Conditions:
Frontotemporal dementia and/or amyotrophic lateral sclerosis 4. Also called: FTDALS4. Identifiers: Orphanet 275872, MedGen C4225325, MONDO:0014641, OMIM 616439.

gnomAD v4.1: 24 of 1,613,864 alleles (0.0015%); highest among the groups gnomAD compares: Non-Finnish European, 0.0018%; no homozygotes.

Submission:

Labcorp Genetics (formerly Invitae), Labcorp
Classification: Uncertain significance for Frontotemporal dementia and/or amyotrophic lateral sclerosis 4. Last evaluated: 2025-12-02. Review status: criteria provided, single submitter. Criteria: Invitae Variant Classification Sherloc (09022015). Collection method: clinical testing. Allele origin: germline.
Comment: This sequence change replaces isoleucine, which is neutral and non-polar, with methionine, which is neutral and non-polar, at codon 522 of the TBK1 protein (p.Ile522Met). This variant is present in population databases (rs375618295, gnomAD 0.006%). This missense change has been observed in individual(s) with amyotrophic lateral sclerosis (PMID: 25700176). ClinVar contains an entry for this variant (Variation ID: 1506521). Invitae Evidence Modeling of protein sequence and biophysical properties (such as structural, functional, and spatial information, amino acid conservation, physicochemical variation, residue mobility, and thermodynamic stability) indicates that this missense variant is not expected to disrupt TBK1 protein function with a negative predictive value of 95%. In summary, the available evidence is currently insufficient to determine the role of this variant in disease. Therefore, it has been classified as a Variant of Uncertain Significance.

Literature cited by the submitters: PubMed 25700176.

NM_013254.4(TBK1):c.1566C>G (p.Ile522Met)

Gene: TBK1 (TANK binding kinase 1; plus strand). Cytogenetic location: 12q14.2.
Variant type: single nucleotide variant.
Coding change: c.1566C>G on transcript NM_013254.4 (MANE Select); coding-DNA position 1566, C replaced by G.
Protein change: p.Ile522Met; replaces isoleucine 522 with methionine.
Molecular consequence: missense variant.
Genome position (GRCh38, 1-based): chr12:64,495,527, C>G. VCF-style: chr12-64495527-C-G. GRCh37 (hg19) VCF-style: chr12-64889307-C-G.
Other names: short protein forms I522M.
Identifiers: ClinVar variation 1506521 (VCV001506521.8), dbSNP rs375618295, ClinGen allele CA6669105.